The following is an entry in ClinVar:

ClinVar aggregate classification (germline): Uncertain significance. Review status: criteria provided, multiple submitters, no conflicts (2 of 4 stars). 2 submissions from 2 submitters: Uncertain significance (2). Last evaluated 2025-07-11.

Allele frequency attached by ClinVar (database versions not stated): TOPMed below 0.00001; gnomAD exomes 0.00001.
gnomAD v4.1: 3 of 1,614,196 alleles (0.00019%); highest among the groups gnomAD compares: Non-Finnish European, 0.00025%; no homozygotes.

Submissions (2):

Mayo Clinic Laboratories, Mayo Clinic
Classification: Uncertain significance. Last evaluated: 2025-07-11. Review status: criteria provided, single submitter. Criteria: ACMG Guidelines, 2015. Collection method: clinical testing. Allele origin: germline. Observed: 1 variant allele.
Comment: BP4, PM2_supporting

Labcorp Genetics (formerly Invitae), Labcorp
Classification: Uncertain significance. Last evaluated: 2024-05-06. Review status: criteria provided, single submitter. Criteria: Invitae Variant Classification Sherloc (09022015). Collection method: clinical testing. Allele origin: germline.
Comment: This sequence change replaces valine, which is neutral and non-polar, with glycine, which is neutral and non-polar, at codon 1499 of the MCM3AP protein (p.Val1499Gly). This variant is not present in population databases (gnomAD no frequency). This variant has not been reported in the literature in individuals affected with MCM3AP-related conditions. ClinVar contains an entry for this variant (Variation ID: 1937641). An algorithm developed to predict the effect of missense changes on protein structure and function (PolyPhen-2) suggests that this variant¬†is likely to be tolerated. In summary, the available evidence is currently insufficient to determine the role of this variant in disease. Therefore, it has been classified as a Variant of Uncertain Significance.

NM_003906.5(MCM3AP):c.4496T>G (p.Val1499Gly)

Genes: MCM3AP (minichromosome maintenance complex component 3 associated protein; minus strand), MCM3AP-AS1 (MCM3AP antisense RNA 1; plus strand). Cytogenetic location: 21q22.3.
Variant type: single nucleotide variant.
Coding change: c.4496T>G on transcript NM_003906.5 (MANE Select); coding-DNA position 4496, T replaced by G.
Protein change: p.Val1499Gly; replaces valine 1499 with glycine.
Molecular consequence: missense variant.
Genome position (GRCh38, 1-based): chr21:46,246,681, A>C on the plus strand (T>G on the coding strand, the complement: MCM3AP is on the minus strand). VCF-style: chr21-46246681-A-C. GRCh37 (hg19) VCF-style: chr21-47666595-A-C.
Other names: p.Val1499Gly; short protein forms V1499G.
Identifiers: ClinVar variation 1937641 (VCV001937641.4), dbSNP rs879467372, ClinGen allele CA321978139.